The following is an entry in ClinVar:

NM_004168.4(SDHA):c.568T>C (p.Cys190Arg)

Gene: SDHA (succinate dehydrogenase complex flavoprotein subunit A; plus strand). Cytogenetic location: 5p15.33.
Variant type: single nucleotide variant.
Coding change: c.568T>C on transcript NM_004168.4 (MANE Select); coding-DNA position 568, T replaced by C.
Protein change: p.Cys190Arg; replaces cysteine 190 with arginine.
Molecular consequence: missense variant.
Genome position (GRCh38, 1-based): chr5:225,994, T>C. VCF-style: chr5-225994-T-C. GRCh37 (hg19) VCF-style: chr5-226109-T-C.
Other names: c.424T>C, p.Cys142Arg (NM_001294332.2); c.568T>C, p.Cys190Arg (NM_001330758.2); short protein forms C190R, C142R.
Identifiers: ClinVar variation 841097 (VCV000841097.14), dbSNP rs908267345, ClinGen allele CA112816051.

ClinVar aggregate classification (germline): Uncertain significance. Review status: criteria provided, multiple submitters, no conflicts (2 of 4 stars). 4 submissions from 4 submitters: Uncertain significance (4). Last evaluated 2026-06-05.

Conditions:
Hereditary cancer-predisposing syndrome. Also called: Tumor predisposition; Hereditary neoplastic syndrome; Neoplastic Syndromes, Hereditary; Hereditary Cancer Syndrome. Identifiers: Orphanet 140162, MedGen C0027672, MeSH D009386, MONDO:0015356.
Pheochromocytoma/paraganglioma syndrome 5. Also called: Paragangliomas 5; SDHA-Related Hereditary Paraganglioma-Pheochromocytoma Syndrome. Identifiers: Orphanet 29072, MedGen C3279992, MONDO:0013602, OMIM 614165.
Mitochondrial complex II deficiency, nuclear type 1. Also called: SUCCINATE CoQ REDUCTASE DEFICIENCY. Identifiers: Orphanet 3208, MedGen C5700310, MONDO:0100294, OMIM 252011.

Allele frequency attached by ClinVar (database versions not stated): gnomAD 0.00001; TOPMed 0.00002.
gnomAD v4.1: 2 of 1,614,080 alleles (0.00012%); highest among the groups gnomAD compares: African/African-American, 0.0027%; no homozygotes.

Submissions (4):

Ambry Genetics
Classification: Uncertain significance for Hereditary cancer-predisposing syndrome. Last evaluated: 2026-06-05. Review status: criteria provided, single submitter. Criteria: Ambry Variant Classification Scheme 2023. Collection method: clinical testing. Allele origin: germline.
Comment: The p.C190R variant (also known as c.568T>C), located in coding exon 5 of the SDHA gene, results from a T to C substitution at nucleotide position 568. The cysteine at codon 190 is replaced by arginine, an amino acid with highly dissimilar properties. This amino acid position is highly conserved in available vertebrate species. In addition, this alteration is predicted to be deleterious by in silico analysis. Based on the available evidence, the clinical significance of this variant remains unclear.

Labcorp Genetics (formerly Invitae), Labcorp
Classification: Uncertain significance for Pheochromocytoma/paraganglioma syndrome 5; Mitochondrial complex II deficiency, nuclear type 1. Last evaluated: 2025-08-13. Review status: criteria provided, single submitter. Criteria: Invitae Variant Classification Sherloc (09022015). Collection method: clinical testing. Allele origin: germline.
Comment: This sequence change replaces cysteine, which is neutral and slightly polar, with arginine, which is basic and polar, at codon 190 of the SDHA protein (p.Cys190Arg). This variant is not present in population databases (gnomAD no frequency). This variant has not been reported in the literature in individuals affected with SDHA-related conditions. ClinVar contains an entry for this variant (Variation ID: 841097). Invitae Evidence Modeling of protein sequence and biophysical properties (such as structural, functional, and spatial information, amino acid conservation, physicochemical variation, residue mobility, and thermodynamic stability) has been performed for this missense variant. However, the output from this modeling did not meet the statistical confidence thresholds required to predict the impact of this variant on SDHA protein function. In summary, the available evidence is currently insufficient to determine the role of this variant in disease. Therefore, it has been classified as a Variant of Uncertain Significance.

GeneDx
Classification: Uncertain significance. Last evaluated: 2024-03-28. Review status: criteria provided, single submitter. Criteria: GeneDx Variant Classification Process June 2021. Collection method: clinical testing. Allele origin: germline. Affected: yes.
Comment: Not observed at significant frequency in large population cohorts (gnomAD); In silico analysis supports that this missense variant has a deleterious effect on protein structure/function; Has not been previously published as pathogenic or benign to our knowledge

Sema4
Classification: Uncertain significance for Hereditary cancer-predisposing syndrome. Last evaluated: 2021-05-30. Review status: criteria provided, single submitter. Criteria: Sema4 Curation Guidelines. Collection method: curation. Allele origin: germline.
Comment: The SDHA c.568T>C (p.C190R) variant has not been reported in the literature to our knowledge. It was not observed in the large and broad cohorts of the Genome Aggregation Database (PMID: 32461654) but has been reported in ClinVar (Variation ID 841097). In silico tools suggest the impact of the variant on protein function is deleterious, though these predictions have not been confirmed by functional studies. The evidence is insufficient to meet ACMG/AMP criteria for classifying the variant as benign or pathogenic. Thus, the clinical significance of this variant is currently uncertain.